The following is an entry in ClinVar:

ClinVar aggregate classification (germline): Uncertain significance (1 of 4 stars; one submission).

Allele frequency attached by ClinVar (database versions not stated): TOPMed 0.00002.

Submission:

Labcorp Genetics (formerly Invitae), Labcorp
Classification: Uncertain significance. Last evaluated: 2022-07-28. Review status: criteria provided, single submitter. Criteria: Invitae Variant Classification Sherloc (09022015). Collection method: clinical testing. Allele origin: germline.
Comment: This variant has not been reported in the literature in individuals affected with ITSN1-related conditions. In summary, the available evidence is currently insufficient to determine the role of this variant in disease. Therefore, it has been classified as a Variant of Uncertain Significance. Algorithms developed to predict the effect of missense changes on protein structure and function are either unavailable or do not agree on the potential impact of this missense change (SIFT: "Deleterious"; PolyPhen-2: "Not Available"; Align-GVGD: "Class C0"). This variant is not present in population databases (gnomAD no frequency). This sequence change replaces glutamine, which is neutral and polar, with arginine, which is basic and polar, at codon 401 of the ITSN1 protein (p.Gln401Arg).

NM_003024.3(ITSN1):c.1202A>G (p.Gln401Arg)

Gene: ITSN1 (intersectin 1; plus strand). Cytogenetic location: 21q22.11.
Variant type: single nucleotide variant.
Coding change: c.1202A>G on transcript NM_003024.3 (MANE Select); coding-DNA position 1202, A replaced by G.
Protein change: p.Gln401Arg; replaces glutamine 401 with arginine.
Molecular consequence: missense variant.
Genome position (GRCh38, 1-based): chr21:33,772,220, A>G. VCF-style: chr21-33772220-A-G. GRCh37 (hg19) VCF-style: chr21-35144524-A-G.
Other names: c.1202A>G, p.Gln401Arg (NM_001001132.2, NM_001331008.2, NM_001331009.2 and 2 more transcripts); c.1091A>G, p.Gln364Arg (NM_001331012.2); short protein forms Q401R, Q364R.
Identifiers: ClinVar variation 1992060 (VCV001992060.4), dbSNP rs2069219680, ClinGen allele CA410122270.